The following is an entry in ClinVar:

NM_025191.4(EDEM3):c.61C>G (p.Leu21Val)

Gene: EDEM3 (ER degradation enhancing alpha-mannosidase like protein 3; minus strand). Cytogenetic location: 1q25.3.
Variant type: single nucleotide variant.
Coding change: c.61C>G on transcript NM_025191.4 (MANE Select); coding-DNA position 61, C replaced by G.
Protein change: p.Leu21Val; replaces leucine 21 with valine.
Molecular consequence: missense variant. On other transcripts: non-coding transcript variant (1).
Genome position (GRCh38, 1-based): chr1:184,754,586, G>C on the plus strand (C>G on the coding strand, the complement: EDEM3 is on the minus strand). VCF-style: chr1-184754586-G-C. GRCh37 (hg19) VCF-style: chr1-184723720-G-C.
Other names: c.61C>G, p.Leu21Val (NM_001319960.2); short protein forms L21V.
Identifiers: ClinVar variation 4989259 (VCV004989259.1).
Genomic context (GRCh38, chr1:184,754,586, plus strand): 5'-CCCCCGCCGTCCACACGGAGGTGGCCGACACCAGGCAGAACGCGGCCGTCGCCGCCACTA[G>C]TCTCCATCGCGCTCGCTGGGGAACCGGGGACCCACAGCCCCGGCCGCCGGCTTCGCTCAT-3'
Protein context (NP_079467.3, residues 11-31): SPVPQRARWR[Leu21Val]VAATAAFCLV

ClinVar aggregate classification (germline): Uncertain significance (1 of 4 stars; one submission).

Conditions:
EDEM3-related disorder. Also called: EDEM3-related condition.

gnomAD v4.1: 19 of 1,611,818 alleles (0.0012%); highest among the groups gnomAD compares: Admixed American, 0.0067%; no homozygotes.

Submission:

PreventionGenetics, part of Exact Sciences
Classification: Uncertain significance for EDEM3-related condition. Last evaluated: 2025-11-21. Review status: criteria provided, single submitter. Criteria: ACMG Guidelines, 2015. Collection method: clinical testing. Allele origin: germline.
Comment: The EDEM3 c.61C>G variant is predicted to result in the amino acid substitution p.Leu21Val. To our knowledge, this variant has not been reported in the literature. This variant is reported in 0.0088% of alleles in individuals of Latino descent in gnomAD. At this time, the clinical significance of this variant is uncertain due to the absence of conclusive functional and genetic evidence.